The following is an entry in ClinVar:

ClinVar aggregate classification (germline): Uncertain significance (1 of 4 stars; one submission).

gnomAD v4.1: 32 of 1,613,938 alleles (0.002%); highest among the groups gnomAD compares: African/African-American, 0.041%; no homozygotes.

Submission:

Ambry Genetics
Classification: Uncertain significance. Last evaluated: 2024-10-02. Review status: criteria provided, single submitter. Criteria: Ambry Variant Classification Scheme 2023. Collection method: clinical testing. Allele origin: germline.
Comment: The p.P1671L variant (also known as c.5012C>T), located in coding exon 21 of the WNK2 gene, results from a C to T substitution at nucleotide position 5012. The proline at codon 1671 is replaced by leucine, an amino acid with similar properties. This amino acid position is conserved. In addition, this alteration is predicted to be tolerated by in silico analysis. Based on the available evidence, the clinical significance of this variant remains unclear.

NM_006648.4(WNK2):c.5012C>T (p.Pro1671Leu)

Gene: WNK2 (WNK lysine deficient protein kinase 2; plus strand). Cytogenetic location: 9q22.31.
Variant type: single nucleotide variant.
Coding change: c.5012C>T on transcript NM_006648.4 (MANE Select); coding-DNA position 5012, C replaced by T.
Protein change: p.Pro1671Leu; replaces proline 1671 with leucine.
Molecular consequence: missense variant.
Genome position (GRCh38, 1-based): chr9:93,292,383, C>T. VCF-style: chr9-93292383-C-T. GRCh37 (hg19) VCF-style: chr9-96054665-C-T.
Other names: c.5123C>T, p.Pro1708Leu (NM_001282394.3); short protein forms P1708L, P1671L.
Identifiers: ClinVar variation 3470038 (VCV003470038.1).